The following is an entry in ClinVar:

ClinVar aggregate classification (germline): Uncertain significance (1 of 4 stars; one submission).

Submission:

GeneDx
Classification: Uncertain significance. Last evaluated: 2026-03-10. Review status: criteria provided, single submitter. Criteria: GeneDx Variant Classification Process June 2021. Collection method: clinical testing. Allele origin: germline.
Comment: Not observed at significant frequency in large population cohorts (gnomAD); In silico analysis supports that this missense variant has a deleterious effect on protein structure/function; Has not been previously published as pathogenic or benign to our knowledge

NC_000023.11:g.48902933C>T

Genes: PQBP1 (polyglutamine binding protein 1; plus strand), SLC35A2 (solute carrier family 35 member A2; minus strand). Cytogenetic location: Xp11.23.
Variant type: single nucleotide variant.
Molecular consequence: missense variant (on NM_001032382.2).
Genome position: GRCh38 VCF-style: chrX-48902933-C-T. GRCh37 (hg19) VCF-style: chrX-48760210-C-T.
Other names: c.647C>T, p.Thr216Met (NM_001032381.2, NM_001032382.2, NM_001032383.2 and 2 more transcripts); c.644C>T, p.Thr215Met (NM_001167989.2); c.623C>T, p.Thr208Met (NM_001167990.2); c.347C>T, p.Thr116Met (NM_001167992.1); c.362C>T, p.Thr121Met (NM_001437502.1, NM_144495.3); short protein forms T116M, T121M, T208M, T215M, T216M.
Identifiers: ClinVar variation 4530893 (VCV004530893.2).